The following is an entry in ClinVar:

NM_004320.6(ATP2A1):c.1586G>A (p.Arg529Gln)

Gene: ATP2A1 (ATPase sarcoplasmic/endoplasmic reticulum Ca2+ transporting 1; plus strand). Cytogenetic location: 16p11.2.
Variant type: single nucleotide variant.
Coding change: c.1586G>A on transcript NM_004320.6 (MANE Select); coding-DNA position 1586, G replaced by A.
Protein change: p.Arg529Gln; replaces arginine 529 with glutamine.
Molecular consequence: missense variant.
Genome position (GRCh38, 1-based): chr16:28,898,273, G>A. VCF-style: chr16-28898273-G-A. GRCh37 (hg19) VCF-style: chr16-28909594-G-A.
Other names: c.1211G>A, p.Arg404Gln (NM_001286075.2); c.1586G>A, p.Arg529Gln (NM_173201.5); short protein forms R404Q, R529Q.
Identifiers: ClinVar variation 1309180 (VCV001309180.2), dbSNP rs759078372, ClinGen allele CA7987028.
Genomic context (GRCh38, chr16:28,898,273, plus strand): 5'-ATGCTGTTCTGGTCTCCTAGGGTGCCCCTGAGGGCGTCATCGACCGCTGTAACTATGTGC[G>A]AGTTGGCACCACCCGGGTGCCACTGACGGGGCCGGTGAAGGAAAAGATCATGGCGGTGAT-3'
Protein context (NP_004311.1, residues 519-539): EGVIDRCNYV[Arg529Gln]VGTTRVPLTG

ClinVar aggregate classification (germline): Uncertain significance (1 of 4 stars; one submission).

Allele frequency attached by ClinVar (database versions not stated): ExAC 0.00001; gnomAD exomes 0.00003 and 0.00004; TOPMed 0.00003; gnomAD 0.00005 and 0.00006.
gnomAD v4.1: 52 of 1,614,122 alleles (0.0032%); highest among the groups gnomAD compares: East Asian, 0.0067%; no homozygotes.

Submission:

GeneDx
Classification: Uncertain significance. Last evaluated: 2019-10-07. Review status: criteria provided, single submitter. Criteria: GeneDx Variant Classification Process June 2021. Collection method: clinical testing. Allele origin: germline. Affected: yes.
Comment: Has not been previously published as pathogenic or benign to our knowledge; In silico analysis, which includes protein predictors and evolutionary conservation, supports a deleterious effect